The following is an entry in ClinVar:

ClinVar aggregate classification (germline): Uncertain significance (1 of 4 stars; one submission).

Allele frequency attached by ClinVar (database versions not stated): gnomAD exomes below 0.00001.
gnomAD v4.1: 3 of 1,613,018 alleles (0.00019%); highest among the groups gnomAD compares: Non-Finnish European, 0.00025%; no homozygotes.

Submission:

Labcorp Genetics (formerly Invitae), Labcorp
Classification: Uncertain significance. Last evaluated: 2021-06-11. Review status: criteria provided, single submitter. Criteria: Invitae Variant Classification Sherloc (09022015). Collection method: clinical testing. Allele origin: germline.
Comment: This sequence change replaces threonine with isoleucine at codon 2083 of the COL7A1 protein (p.Thr2083Ile). The threonine residue is weakly conserved and there is a moderate physicochemical difference between threonine and isoleucine. This variant is not present in population databases (ExAC no frequency). This variant has not been reported in the literature in individuals with COL7A1-related conditions. Advanced modeling of protein sequence and biophysical properties (such as structural, functional, and spatial information, amino acid conservation, physicochemical variation, residue mobility, and thermodynamic stability) performed at Invitae indicates that this missense variant is not expected to disrupt COL7A1 protein function. In summary, the available evidence is currently insufficient to determine the role of this variant in disease. Therefore, it has been classified as a Variant of Uncertain Significance.

NM_000094.4(COL7A1):c.6248C>T (p.Thr2083Ile)

Gene: COL7A1 (collagen type VII alpha 1 chain; minus strand). Cytogenetic location: 3p21.31.
Variant type: single nucleotide variant.
Coding change: c.6248C>T on transcript NM_000094.4 (MANE Select); coding-DNA position 6248, C replaced by T.
Protein change: p.Thr2083Ile; replaces threonine 2083 with isoleucine.
Molecular consequence: missense variant.
Genome position (GRCh38, 1-based): chr3:48,575,095, G>A on the plus strand (C>T on the coding strand, the complement: COL7A1 is on the minus strand). VCF-style: chr3-48575095-G-A. GRCh37 (hg19) VCF-style: chr3-48612528-G-A.
Other names: short protein forms T2083I.
Identifiers: ClinVar variation 1954542 (VCV001954542.2), dbSNP rs2530962606, ClinGen allele CA352662252.